The following is an entry in ClinVar:

NM_021224.6(ZNF462):c.4080C>T (p.Leu1360=)

Gene: ZNF462 (zinc finger protein 462; plus strand). Cytogenetic location: 9q31.2.
Variant type: single nucleotide variant.
Coding change: c.4080C>T on transcript NM_021224.6 (MANE Select); coding-DNA position 4080, C replaced by T.
Protein change: p.Leu1360=; no amino-acid change (leucine 1360 retained).
Molecular consequence: synonymous variant. On other transcripts: intron variant (1).
Genome position (GRCh38, 1-based): chr9:106,927,992, C>T. VCF-style: chr9-106927992-C-T. GRCh37 (hg19) VCF-style: chr9-109690273-C-T.
Other names: c.3252+828C>T (NM_001347997.2).
Identifiers: ClinVar variation 5041684 (VCV005041684.1).

ClinVar aggregate classification (germline): Likely benign (1 of 4 stars; one submission).

Submission:

CeGaT Center for Human Genetics Tuebingen
Classification: Likely benign. Last evaluated: 2026-09-01. Review status: criteria provided, single submitter. Criteria: CeGaT Center For Human Genetics Tuebingen Variant Classification Criteria Version 2. Collection method: clinical testing. Allele origin: germline. Affected: yes. Observed: 1 variant allele.
Comment: ZNF462: PM2:Supporting, BP4, BP7